The following is an entry in ClinVar:

NM_018124.4(RFWD3):c.1296C>G (p.His432Gln)

Gene: RFWD3 (ring finger and WD repeat domain 3; minus strand). Cytogenetic location: 16q23.1.
Variant type: single nucleotide variant.
Coding change: c.1296C>G on transcript NM_018124.4 (MANE Select); coding-DNA position 1296, C replaced by G.
Protein change: p.His432Gln; replaces histidine 432 with glutamine.
Molecular consequence: missense variant.
Genome position (GRCh38, 1-based): chr16:74,636,476, G>C on the plus strand (C>G on the coding strand, the complement: RFWD3 is on the minus strand). VCF-style: chr16-74636476-G-C. GRCh37 (hg19) VCF-style: chr16-74670374-G-C.
Other names: c.1296C>G, p.His432Gln (NM_001370534.1, NM_001370535.1, NM_001370536.1); c.462C>G, p.His154Gln (NM_001370537.1, NM_001370539.1, NM_001370540.1 and 2 more transcripts); short protein forms H154Q, H432Q.
Identifiers: ClinVar variation 4772304 (VCV004772304.1).

ClinVar aggregate classification (germline): Uncertain significance (1 of 4 stars; one submission).

gnomAD v4.1: 2 of 1,614,106 alleles (0.00012%); highest among the groups gnomAD compares: South Asian, 0.0011%; no homozygotes.

Submission:

Labcorp Genetics (formerly Invitae), Labcorp
Classification: Uncertain significance. Last evaluated: 2025-03-31. Review status: criteria provided, single submitter. Criteria: Invitae Variant Classification Sherloc (09022015). Collection method: clinical testing. Allele origin: germline.
Comment: This sequence change replaces histidine, which is basic and polar, with glutamine, which is neutral and polar, at codon 432 of the RFWD3 protein (p.His432Gln). This variant is present in population databases (no rsID available, gnomAD 0.003%). This variant has not been reported in the literature in individuals affected with RFWD3-related conditions. An algorithm developed to predict the effect of missense changes on protein structure and function outputs the following: PolyPhen-2: "Benign". The glutamine amino acid residue is found in multiple mammalian species, which suggests that this missense change does not adversely affect protein function. In summary, the available evidence is currently insufficient to determine the role of this variant in disease. Therefore, it has been classified as a Variant of Uncertain Significance.